The following is an entry in ClinVar:

ClinVar aggregate classification (germline): Pathogenic/Likely pathogenic. Review status: criteria provided, multiple submitters, no conflicts (2 of 4 stars). 2 submissions from 2 submitters: Pathogenic (1); Likely pathogenic (1). Last evaluated 2025-07-24.

Conditions:
ADGRV1-related disorder. Also called: ADGRV1-related condition; ADGRV1-related disorders.

Allele frequency attached by ClinVar (database versions not stated): gnomAD exomes 0.00001.

Submissions (2):

Labcorp Genetics (formerly Invitae), Labcorp
Classification: Pathogenic. Last evaluated: 2025-07-24. Review status: criteria provided, single submitter. Criteria: Invitae Variant Classification Sherloc (09022015). Collection method: clinical testing. Allele origin: germline.
Comment: This sequence change creates a premature translational stop signal (p.Ser5371Valfs*8) in the ADGRV1 gene. It is expected to result in an absent or disrupted protein product. Loss-of-function variants in ADGRV1 are known to be pathogenic (PMID: 19357117, 22135276, 22147658, 26226137, 30718709, 31047384, 32467589). This variant is not present in population databases (gnomAD no frequency). This variant has not been reported in the literature in individuals affected with ADGRV1-related conditions. ClinVar contains an entry for this variant (Variation ID: 2802035). For these reasons, this variant has been classified as Pathogenic.

Blueprint Genetics
Classification: Likely pathogenic for ADGRV1-related disorders. Last evaluated: 2024-03-13. Review status: criteria provided, single submitter. Criteria: ACMG Guidelines, 2015. Collection method: clinical testing. Allele origin: germline. Affected: yes. Observed: 3 variant alleles.

Literature cited by the submitters: PubMed 19357117 (cited by Labcorp Genetics (formerly Invitae), Labcorp); PubMed 22135276 (cited by Labcorp Genetics (formerly Invitae), Labcorp); PubMed 22147658 (cited by Labcorp Genetics (formerly Invitae), Labcorp); PubMed 26226137 (cited by Labcorp Genetics (formerly Invitae), Labcorp); PubMed 30718709 (cited by Labcorp Genetics (formerly Invitae), Labcorp); PubMed 31047384 (cited by Labcorp Genetics (formerly Invitae), Labcorp); PubMed 32467589 (cited by Labcorp Genetics (formerly Invitae), Labcorp).

NM_032119.4(ADGRV1):c.16111del (p.Ser5371fs)

Gene: ADGRV1 (adhesion G protein-coupled receptor V1; plus strand). Cytogenetic location: 5q14.3.
Variant type: Deletion.
Coding change: c.16111del on transcript NM_032119.4 (MANE Select); coding-DNA position 16111, one base deleted (A; older notation c.16111delA).
Protein change: p.Ser5371fs; shifts the reading frame from serine 5371.
Molecular consequence: frameshift variant. On other transcripts: non-coding transcript variant (1).
Genome position (GRCh38, 1-based): chr5:90,815,651, A deleted. VCF-style (leftmost placement, unchanged base first): chr5-90815650-CA-C. GRCh37 (hg19) VCF-style: chr5-90111467-CA-C.
Other names: short protein forms S5371fs.
Identifiers: ClinVar variation 2802035 (VCV002802035.4), dbSNP rs2532226604, ClinGen allele CA2674575360.
Genomic context (GRCh38, chr5:90,815,650, plus strand): 5'-ATATTATAGCCCTCCATTCTTTTTTTCAGGGAGTGACCTTCACAATGGCATCATAGGATT[CA>C]GTGAGGAGTCCCAGAGTGGACTAGAACTCAGGGAAGGAGCTGTTATGAGAAGATTGCACC-3'